The following is an entry in ClinVar:

NM_012250.6(RRAS2):c.90C>T (p.Leu30=)

Gene: RRAS2 (RAS related 2; minus strand). Cytogenetic location: 11p15.2.
Variant type: single nucleotide variant.
Coding change: c.90C>T on transcript NM_012250.6 (MANE Select); coding-DNA position 90, C replaced by T.
Protein change: p.Leu30=; no amino-acid change (leucine 30 retained).
Molecular consequence: synonymous variant. On other transcripts: intron variant (1).
Genome position (GRCh38, 1-based): chr11:14,358,781, G>A on the plus strand (C>T on the coding strand, the complement: RRAS2 is on the minus strand). VCF-style: chr11-14358781-G-A. GRCh37 (hg19) VCF-style: chr11-14380327-G-A.
Other names: c.3+5610C>T (NM_001177314.2); c.90C>T (NM_012250.5).
Identifiers: ClinVar variation 2044034 (VCV002044034.29), dbSNP rs184872101, ClinGen allele CA5894414.

ClinVar aggregate classification (germline): Benign/Likely benign. Review status: criteria provided, multiple submitters, no conflicts (2 of 4 stars). 3 submissions from 3 submitters: Benign (1); Likely benign (1). 1 of the submissions does not count toward it. Last evaluated 2026-08-01.

Conditions:
RRAS2-related disorder. Also called: RRAS2-related condition.

Allele frequency attached by ClinVar (database versions not stated): 1000 Genomes Project 30x 0.00062; 1000 Genomes Project 0.00080; ExAC 0.00082; gnomAD exomes 0.00101; ESP Exome Variant Server 0.00026; TOPMed 0.00053; gnomAD 0.00055.
gnomAD v4.1: 1,397 of 1,471,738 alleles (0.095%); highest among the groups gnomAD compares: Non-Finnish European, 0.11%; no homozygotes.

Submissions (3):

CeGaT Center for Human Genetics Tuebingen
Classification: Likely benign. Last evaluated: 2026-08-01. Review status: criteria provided, single submitter. Criteria: CeGaT Center For Human Genetics Tuebingen Variant Classification Criteria Version 2. Collection method: clinical testing. Allele origin: germline. Affected: yes. Observed: 2 variant alleles.
Comment: RRAS2: BP4, BP7, BS1

Labcorp Genetics (formerly Invitae), Labcorp
Classification: Benign. Last evaluated: 2025-06-13. Review status: criteria provided, single submitter. Criteria: Invitae Variant Classification Sherloc (09022015). Collection method: clinical testing. Allele origin: germline.

PreventionGenetics, part of Exact Sciences
Classification: Likely benign for RRAS2-related condition. Last evaluated: 2022-05-17. Review status: no assertion criteria provided. Collection method: clinical testing. Allele origin: germline. Not counted in ClinVar's aggregate classification.
Comment: This variant is classified as likely benign based on ACMG/AMP sequence variant interpretation guidelines (Richards et al. 2015 PMID: 25741868, with internal and published modifications).